The following is an entry in ClinVar:

ClinVar aggregate classification (germline): Pathogenic (1 of 4 stars; one submission).

Submission:

Labcorp Genetics (formerly Invitae), Labcorp
Classification: Pathogenic. Last evaluated: 2022-01-12. Review status: criteria provided, single submitter. Criteria: Invitae Variant Classification Sherloc (09022015). Collection method: clinical testing. Allele origin: germline.
Comment: For these reasons, this variant has been classified as Pathogenic. Algorithms developed to predict the effect of sequence changes on RNA splicing suggest that this variant may create or strengthen a splice site. ClinVar contains an entry for this variant (Variation ID: 1068577). This variant has not been reported in the literature in individuals affected with KIF11-related conditions. This variant is not present in population databases (gnomAD no frequency). This sequence change creates a premature translational stop signal (p.His563Argfs*4) in the KIF11 gene. It is expected to result in an absent or disrupted protein product. Loss-of-function variants in KIF11 are known to be pathogenic (PMID: 22284827, 24281367).

Literature cited by the submitters: PubMed 22284827; PubMed 24281367.

NM_004523.4(KIF11):c.1680_1686dup (p.His563fs)

Gene: KIF11 (kinesin family member 11; plus strand). Cytogenetic location: 10q23.33.
Variant type: Duplication.
Coding change: c.1680_1686dup on transcript NM_004523.4 (MANE Select); coding-DNA positions 1680 to 1686, 7 bases duplicated (AGAAGTA; older notation c.1680_1686dupAGAAGTA).
Protein change: p.His563fs; shifts the reading frame from histidine 563.
Molecular consequence: frameshift variant.
Genome position (GRCh38, 1-based): chr10:92,632,671-92,632,677, AGAAGTA duplicated. VCF-style (leftmost placement, unchanged base first): chr10-92632670-T-TAGAAGTA. GRCh37 (hg19) VCF-style: chr10-94392427-T-TAGAAGTA.
Other names: short protein forms H563fs.
Identifiers: ClinVar variation 1068577 (VCV001068577.7), dbSNP rs2135916225, ClinGen allele CA2499220488.
Genomic context (GRCh38, chr10:92,632,670, plus strand): 5'-GTCTGTTTAATAATATGGAAGAATTAATTAAGGATGGCAGCTCAAAGCAAAAGGCCATGC[T>TAGAAGTA]AGAAGTACATAAGACCTTATTTGGTAAGTTCAGGCTGTTCTGTTCTAGTCTTGATGTGTT-3'